The following is an entry in ClinVar:

NM_020843.4(SCAPER):c.1496-4A>G

Gene: SCAPER (S-phase cyclin A associated protein in the ER; minus strand). Cytogenetic location: 15q24.3.
Variant type: single nucleotide variant.
Coding change: c.1496-4A>G on transcript NM_020843.4 (MANE Select); 4 bases into the intron before coding-DNA position 1496, A replaced by G.
Molecular consequence: intron variant.
Genome position (GRCh38, 1-based): chr15:76,765,458, T>C on the plus strand (A>G on the coding strand, the complement: SCAPER is on the minus strand). VCF-style: chr15-76765458-T-C. GRCh37 (hg19) VCF-style: chr15-77057799-T-C.
Other names: c.1112-4A>G (NM_001353011.2); c.1094-4A>G (NM_001353012.2, NM_001353010.2); c.1514-4A>G (NM_001353009.2); c.758-4A>G (NM_001145923.2).
Identifiers: ClinVar variation 3358229 (VCV003358229.2).

ClinVar aggregate classification (germline): Uncertain significance. Review status: criteria provided, single submitter (1 of 4 stars). 2 submissions from 2 submitters: Uncertain significance (1). 1 of the submissions does not count toward it. Last evaluated 2023-12-15.

Conditions:
SCAPER-related disorder. Also called: SCAPER-related condition.

gnomAD v4.1: 18 of 1,612,968 alleles (0.0011%); highest among the groups gnomAD compares: South Asian, 0.018%; no homozygotes.

Submissions (2):

Blueprint Genetics
Classification: Uncertain significance. Last evaluated: 2023-12-15. Review status: criteria provided, single submitter. Criteria: ACMG Guidelines, 2015. Collection method: clinical testing. Allele origin: germline.

PreventionGenetics, part of Exact Sciences
Classification: Likely benign for SCAPER-related condition. Last evaluated: 2024-07-18. Review status: no assertion criteria provided. Collection method: clinical testing. Allele origin: germline. Not counted in ClinVar's aggregate classification.
Comment: This variant is classified as likely benign based on ACMG/AMP sequence variant interpretation guidelines (Richards et al. 2015 PMID: 25741868, with internal and published modifications).